The following is an entry in ClinVar:

NM_004646.4(NPHS1):c.2010_2011del (p.Ser671fs)

Gene: NPHS1 (NPHS1 adhesion molecule, nephrin; minus strand). Cytogenetic location: 19q13.12.
Variant type: Microsatellite.
Coding change: c.2010_2011del on transcript NM_004646.4 (MANE Select); coding-DNA positions 2010 to 2011, 2 bases deleted (GT; older notation c.2010_2011delGT).
Protein change: p.Ser671fs; shifts the reading frame from serine 671.
Molecular consequence: frameshift variant.
Genome position (GRCh38, 1-based): chr19:35,844,379-35,844,380, AC deleted on the plus strand (GT on the coding strand, the reverse complement: NPHS1 is on the minus strand); deleting any 2 consecutive bases within chr19:35,844,379-35,844,382 gives the same sequence; the c. name uses the placement nearest the transcript's 3' end. VCF-style (leftmost placement, unchanged base first): chr19-35844378-GAC-G. GRCh37 (hg19) VCF-style: chr19-36335280-GAC-G.
Other names: short protein forms S671fs.
Identifiers: ClinVar variation 1724230 (VCV001724230.2), dbSNP rs2513771955, ClinGen allele CA2580612593.
Genomic context (GRCh38, chr19:35,844,378, plus strand): 5'-CCTGGACTGAGGCGATAGCCGCGGAAGGTCCAGTTGAAGGCCTCGGGGGCGGGGTTAGCG[GAC>G]ACGGACACGGGCAGCAACGCCTCGCCCTGCTCCACCGCGGTCACCACCAGCACCTGCTCC-3'

ClinVar aggregate classification (germline): Likely pathogenic (1 of 4 stars; one submission).

Conditions:
Finnish congenital nephrotic syndrome (NPHS1). Also called: NEPHROTIC SYNDROME, TYPE 1. Identifiers: Orphanet 839, MedGen C0403399, MONDO:0009732, OMIM 256300.

Submission:

Myriad Genetics, Inc.
Classification: Likely pathogenic for Finnish congenital nephrotic syndrome. Last evaluated: 2021-11-08. Review status: criteria provided, single submitter. Criteria: Myriad Women's Health Autosomal Recessive and X-Linked Classification Criteria (2021). Collection method: clinical testing. Allele origin: unknown.
Comment: NM_004646.3(NPHS1):c.2010_2011delGT(S671Rfs*2) is expected to be pathogenic in the context of nephrotic syndrome, NPHS1-related. This variant is predicted to lead to an abnormal or absent protein product due to the creation of a premature termination codon in NPHS1, a gene where loss-of-function variants are known to be pathogenic. Please note: this variant was assessed in the context of healthy population screening.